The following is an entry in ClinVar:

NM_004360.5(CDH1):c.1853A>C (p.Asp618Ala)

Gene: CDH1 (cadherin 1; plus strand). Cytogenetic location: 16q22.1.
Variant type: single nucleotide variant.
Coding change: c.1853A>C on transcript NM_004360.5 (MANE Select); coding-DNA position 1853, A replaced by C.
Protein change: p.Asp618Ala; replaces aspartic acid 618 with alanine.
Molecular consequence: missense variant. On other transcripts: 5 prime UTR variant (1).
Genome position (GRCh38, 1-based): chr16:68,822,142, A>C. VCF-style: chr16-68822142-A-C. GRCh37 (hg19) VCF-style: chr16-68856045-A-C.
Other names: c.1670A>C, p.Asp557Ala (NM_001317184.2); c.305A>C, p.Asp102Ala (NM_001317185.2); c.-113A>C (NM_001317186.2); short protein forms D618A, D102A, D557A.
Identifiers: ClinVar variation 2493895 (VCV002493895.2), dbSNP rs2152138453, ClinGen allele CA396467022.

ClinVar aggregate classification (germline): Uncertain significance (1 of 4 stars; one submission).

Conditions:
Hereditary cancer-predisposing syndrome. Also called: Neoplastic Syndromes, Hereditary; Hereditary neoplastic syndrome; Tumor predisposition; Hereditary Cancer Syndrome. Identifiers: Orphanet 140162, MedGen C0027672, MeSH D009386, MONDO:0015356.

Submission:

Ambry Genetics
Classification: Uncertain significance for Hereditary cancer-predisposing syndrome. Last evaluated: 2023-03-07. Review status: criteria provided, single submitter. Criteria: Ambry Variant Classification Scheme 2023. Collection method: clinical testing. Allele origin: germline.
Comment: The p.D618A variant (also known as c.1853A>C), located in coding exon 12 of the CDH1 gene, results from an A to C substitution at nucleotide position 1853. The aspartic acid at codon 618 is replaced by alanine, an amino acid with dissimilar properties. This amino acid position is conserved. In addition, this alteration is predicted to be deleterious by in silico analysis. Since supporting evidence is limited at this time, the clinical significance of this alteration remains unclear.